The following is an entry in ClinVar:

ClinVar aggregate classification (germline): Uncertain significance. Review status: criteria provided, multiple submitters, no conflicts (2 of 4 stars). 3 submissions from 3 submitters: Uncertain significance (3). Last evaluated 2025-07-17.

Conditions:
Hereditary cancer-predisposing syndrome. Also called: Neoplastic Syndromes, Hereditary; Hereditary Cancer Syndrome; Tumor predisposition; Hereditary neoplastic syndrome. Identifiers: Orphanet 140162, MedGen C0027672, MeSH D009386, MONDO:0015356.
Cardiovascular phenotype. Identifiers: MedGen CN230736.
Neurofibromatosis, familial spinal (FSNF). Identifiers: Orphanet 636, MedGen C1834235, MONDO:0008078, OMIM 162210. Disease mechanism: loss of function.
Juvenile myelomonocytic leukemia (JMML). Also called: LEUKEMIA, JUVENILE MYELOMONOCYTIC, SOMATIC. Identifiers: Orphanet 86834, MedGen C0349639, MONDO:0011908, OMIM 607785, HP:0012209.
Café-au-lait macules with pulmonary stenosis (WTSN). Also called: PULMONIC STENOSIS WITH CAFE-AU-LAIT SPOTS. Identifiers: MedGen C0553586, MONDO:0008672, OMIM 193520.
Neurofibromatosis-Noonan syndrome (NFNS). Also called: NEUROFIBROMATOSIS WITH NOONAN PHENOTYPE. Identifiers: Orphanet 638, MedGen C2931482, MONDO:0011035, OMIM 601321. Disease mechanism: loss of function.
Neurofibromatosis, type 1 (NF1). Also called: Neurofibromatosis, type I; Peripheral type neurofibromatosis; VON RECKLINGHAUSEN DISEASE; NEUROFIBROMATOSIS, TYPE I, SOMATIC. Identifiers: Orphanet 636, MedGen C0027831, MONDO:0018975, OMIM 162200. Disease mechanism: loss of function.

Submissions (3):

Ambry Genetics
Classification: Uncertain significance for Cardiovascular phenotype; Hereditary cancer-predisposing syndrome. Last evaluated: 2025-07-17. Review status: criteria provided, single submitter. Criteria: Ambry Variant Classification Scheme 2023. Collection method: clinical testing. Allele origin: germline.
Comment: The p.F1458L variant (also known as c.4374C>A), located in coding exon 33 of the NF1 gene, results from a C to A substitution at nucleotide position 4374. The phenylalanine at codon 1458 is replaced by leucine, an amino acid with highly similar properties. This amino acid position is conserved. In addition, this alteration is predicted to be deleterious by in silico analysis. Based on the available evidence, the clinical significance of this variant remains unclear.

Labcorp Genetics (formerly Invitae), Labcorp
Classification: Uncertain significance for Neurofibromatosis, type 1. Last evaluated: 2024-03-14. Review status: criteria provided, single submitter. Criteria: Invitae Variant Classification Sherloc (09022015). Collection method: clinical testing. Allele origin: germline.
Comment: This sequence change replaces phenylalanine, which is neutral and non-polar, with leucine, which is neutral and non-polar, at codon 1458 of the NF1 protein (p.Phe1458Leu). This variant is not present in population databases (gnomAD no frequency). This variant has not been reported in the literature in individuals affected with NF1-related conditions. ClinVar contains an entry for this variant (Variation ID: 1510652). Advanced modeling of protein sequence and biophysical properties (such as structural, functional, and spatial information, amino acid conservation, physicochemical variation, residue mobility, and thermodynamic stability) performed at Invitae indicates that this missense variant is not expected to disrupt NF1 protein function with a negative predictive value of 95%. RNA analysis performed to evaluate the impact of this missense change on mRNA splicing indicates it does not significantly alter splicing (Invitae). In summary, the available evidence is currently insufficient to determine the role of this variant in disease. Therefore, it has been classified as a Variant of Uncertain Significance.

Fulgent Genetics
Classification: Uncertain significance for Neurofibromatosis, type 1; Neurofibromatosis, familial spinal; Café-au-lait macules with pulmonary stenosis; Neurofibromatosis-Noonan syndrome; Juvenile myelomonocytic leukemia. Last evaluated: 2021-12-29. Review status: criteria provided, single submitter. Criteria: ACMG Guidelines, 2015. Collection method: clinical testing. Allele origin: unknown.

NM_001042492.3(NF1):c.4437C>A (p.Phe1479Leu)

Gene: NF1 (neurofibromin 1; plus strand). Cytogenetic location: 17q11.2.
Variant type: single nucleotide variant.
Coding change: c.4437C>A on transcript NM_001042492.3 (MANE Select); coding-DNA position 4437, C replaced by A.
Protein change: p.Phe1479Leu; replaces phenylalanine 1479 with leucine.
Molecular consequence: missense variant.
Genome position (GRCh38, 1-based): chr17:31,260,375, C>A. VCF-style: chr17-31260375-C-A. GRCh37 (hg19) VCF-style: chr17-29587393-C-A.
Other names: c.4374C>A, p.Phe1458Leu (NM_000267.4); short protein forms F1458L, F1479L.
Identifiers: ClinVar variation 1510652 (VCV001510652.10), dbSNP rs757953485, ClinGen allele CA398999155.